The following is an entry in ClinVar:

NM_000093.5(COL5A1):c.3443dup (p.Val1149fs)

Gene: COL5A1 (collagen type V alpha 1 chain; plus strand). Cytogenetic location: 9q34.3.
Variant type: Duplication.
Coding change: c.3443dup on transcript NM_000093.5 (MANE Select); coding-DNA position 3443, one base duplicated (C; older notation c.3443dupC).
Protein change: p.Val1149fs; shifts the reading frame from valine 1149.
Molecular consequence: frameshift variant.
Genome position (GRCh38, 1-based): chr9:134,809,259, C duplicated; the last of 3 consecutive C bases (chr9:134,809,257-134,809,259); duplicating any one gives the same sequence. VCF-style (leftmost placement, unchanged base first): chr9-134809256-G-GC. GRCh37 (hg19) VCF-style: chr9-137701102-G-GC.
Other names: c.3443dup, p.Val1149fs (NM_001278074.1); short protein forms V1149fs.
Identifiers: ClinVar variation 2754455 (VCV002754455.3), dbSNP rs2490810702, ClinGen allele CA2697558211.

ClinVar aggregate classification (germline): Pathogenic (1 of 4 stars; one submission).

Conditions:
Ehlers-Danlos syndrome, classic type, 1 (EDSCL1). Also called: EHLERS-DANLOS SYNDROME, GRAVIS TYPE; EHLERS-DANLOS SYNDROME, SEVERE CLASSIC TYPE; Ehlers-Danlos syndrome, type 1; Ehlers-Danlos Syndrome, Classic Type, COL5A1-Related; EDS I. Identifiers: MedGen C0268335, MONDO:0019567, OMIM 130000.

Submission:

Labcorp Genetics (formerly Invitae), Labcorp
Classification: Pathogenic for Ehlers-Danlos syndrome, classic type, 1. Last evaluated: 2023-05-31. Review status: criteria provided, single submitter. Criteria: Invitae Variant Classification Sherloc (09022015). Collection method: clinical testing. Allele origin: germline.
Comment: For these reasons, this variant has been classified as Pathogenic. This variant has not been reported in the literature in individuals affected with COL5A1-related conditions. This variant is not present in population databases (gnomAD no frequency). This sequence change creates a premature translational stop signal (p.Val1149Cysfs*10) in the COL5A1 gene. It is expected to result in an absent or disrupted protein product. Loss-of-function variants in COL5A1 are known to be pathogenic (PMID: 23587214).

Literature cited by the submitters: PubMed 23587214.